The following is an entry in ClinVar:

NM_001017974.2(P4HA2):c.1026C>T (p.Tyr342=)

Gene: P4HA2 (prolyl 4-hydroxylase subunit alpha 2; minus strand). Cytogenetic location: 5q31.1.
Variant type: single nucleotide variant.
Coding change: c.1026C>T on transcript NM_001017974.2 (MANE Select); coding-DNA position 1026, C replaced by T.
Protein change: p.Tyr342=; no amino-acid change (tyrosine 342 retained).
Molecular consequence: synonymous variant. On other transcripts: intron variant (1).
Genome position (GRCh38, 1-based): chr5:132,207,762, G>A on the plus strand (C>T on the coding strand, the complement: P4HA2 is on the minus strand). VCF-style: chr5-132207762-G-A. GRCh37 (hg19) VCF-style: chr5-131543455-G-A.
Other names: c.1026C>T, p.Tyr342= (NM_001017973.1, NM_001142598.2, NM_001142599.2 and 5 more transcripts); c.903+1376C>T (NM_001365681.2).
Identifiers: ClinVar variation 3037320 (VCV003037320.2), dbSNP rs201974946, ClinGen allele CA3402566.
Genomic context (GRCh38, chr5:132,207,762, plus strand): 5'-ACCTACTTTAGGTTTTGCGATCTCCTTGATCCTCTCGATTTCCTCATCAGACATGACATC[G>A]TAGTACCTGACGATGTGCGGGCTGTCCCACTCGTCCTCCTCTTTGAAGGGGGCAATGAGC-3'
Protein context (NP_001017974.1, residues 332-352): EWDSPHIVRY[Tyr342=]DVMSDEEIER

ClinVar aggregate classification (germline): Likely benign (0 of 4 stars; one submission).

Conditions:
P4HA2-related disorder. Also called: P4HA2-related condition.

Allele frequency attached by ClinVar (database versions not stated): gnomAD exomes 0.00005; gnomAD 0.00008; TOPMed 0.00011; 1000 Genomes Project 0.00020; ESP Exome Variant Server 0.00023; 1000 Genomes Project 30x 0.00031; ExAC 0.00004.
gnomAD v4.1: 85 of 1,613,884 alleles (0.0053%); highest among the groups gnomAD compares: Admixed American, 0.05%; no homozygotes.

Submission:

PreventionGenetics, part of Exact Sciences
Classification: Likely benign for P4HA2-related condition. Last evaluated: 2019-05-03. Review status: no assertion criteria provided. Collection method: clinical testing. Allele origin: germline.
Comment: This variant is classified as likely benign based on ACMG/AMP sequence variant interpretation guidelines (Richards et al. 2015 PMID: 25741868, with internal and published modifications).